The following is an entry in ClinVar:

ClinVar aggregate classification (germline): Conflicting classifications of pathogenicity. Review status: criteria provided, conflicting classifications (1 of 4 stars). 4 submissions from 4 submitters: Uncertain significance (1); Likely benign (3). Last evaluated 2026-05-01.

Allele frequency attached by ClinVar (database versions not stated): TOPMed 0.00014; gnomAD 0.00025 and 0.00027; 1000 Genomes Project 0.00040; 1000 Genomes Project 30x 0.00062.

Submissions (4):

CeGaT Center for Human Genetics Tuebingen
Classification: Likely benign. Last evaluated: 2026-05-01. Review status: criteria provided, single submitter. Criteria: CeGaT Center For Human Genetics Tuebingen Variant Classification Criteria Version 2. Collection method: clinical testing. Allele origin: germline. Affected: yes. Observed: 1 variant allele.
Comment: CPLANE1: BP4, BP7

Labcorp Genetics (formerly Invitae), Labcorp
Classification: Likely benign. Last evaluated: 2026-01-11. Review status: criteria provided, single submitter. Criteria: Invitae Variant Classification Sherloc (09022015). Collection method: clinical testing. Allele origin: germline.

Blueprint Genetics
Classification: Likely benign. Last evaluated: 2022-10-31. Review status: criteria provided, single submitter. Criteria: ACMG Guidelines, 2015. Collection method: clinical testing. Allele origin: germline.

Eurofins Ntd Llc (ga)
Classification: Uncertain significance. Last evaluated: 2015-05-29. Review status: criteria provided, single submitter. Criteria: EGL Classification Definitions 2015. Collection method: clinical testing. Allele origin: germline. Observed: 1 variant allele, 1 heterozygote.

NM_001384732.1(CPLANE1):c.3381G>C (p.Ser1127=)

Gene: CPLANE1 (ciliogenesis and planar polarity effector complex subunit 1; minus strand). Cytogenetic location: 5p13.2.
Variant type: single nucleotide variant.
Coding change: c.3381G>C on transcript NM_001384732.1 (MANE Select); coding-DNA position 3381, G replaced by C.
Protein change: p.Ser1127=; no amino-acid change (serine 1127 retained).
Molecular consequence: synonymous variant.
Genome position (GRCh38, 1-based): chr5:37,201,717, C>G on the plus strand (G>C on the coding strand, the complement: CPLANE1 is on the minus strand). VCF-style: chr5-37201717-C-G. GRCh37 (hg19) VCF-style: chr5-37201819-C-G.
Other names: c.3381G>C, p.Ser1127= (NM_023073.4).
Identifiers: ClinVar variation 194985 (VCV000194985.16), dbSNP rs566190241, ClinGen allele CA241239.